The following is an entry in ClinVar:

ClinVar aggregate classification (germline): Likely benign. Review status: reviewed by expert panel (3 of 4 stars). 4 submissions from 4 submitters: Likely benign (1). 3 of the submissions do not count toward it. Last evaluated 2024-06-13.

Conditions:
Histiocytic medullary reticulosis. Also called: SEVERE COMBINED IMMUNODEFICIENCY WITH HYPEREOSINOPHILIA; Omenn syndrome. Identifiers: Orphanet 39041, MedGen C2700553, MONDO:0011338, OMIM 603554.
Severe combined immunodeficiency due to DCLRE1C deficiency (RS-SCID). Also called: SCID, AUTOSOMAL RECESSIVE, T CELL-NEGATIVE, B CELL-NEGATIVE, NK CELL-POSITIVE, WITH SENSITIVITY TO IONIZING RADIATION. Identifiers: Orphanet 275, MedGen C1865371, MONDO:0011225, OMIM 602450.

Allele frequency attached by ClinVar (database versions not stated): gnomAD 0.00014 and 0.00017; gnomAD exomes 0.00023; 1000 Genomes Project 0.00040; ExAC 0.00025; ESP Exome Variant Server 0.00008; TOPMed 0.00015; 1000 Genomes Project 30x 0.00031.
gnomAD v4.1: 101 of 1,614,144 alleles (0.0063%); highest among the groups gnomAD compares: East Asian, 0.13%; no homozygotes.

Submissions (4):

ClinGen Severe Combined Immunodeficiency Variant Curation Expert Panel, ClinGen
Classification: Likely benign for Severe combined immunodeficiency due to DCLRE1C deficiency. Last evaluated: 2024-06-13. Review status: reviewed by expert panel. Criteria: ClinGen SCID ACMG Specifications DCLRE1C V1.0.0. Collection method: curation. Allele origin: germline. Inheritance: Autosomal recessive inheritance.
Comment: The c.1334G>A (NM_001033855.3) variant in DCLRE1C is a missense variant predicted to cause substitution of Arginine by Histidine at amino acid 445 (p.Arg445His). The filtering allele frequency (the lower threshold of the 95% CI of 58/44884 alleles) of the c.1334G>A variant in DCLRE1C is 0.001026 for East Asian chromosomes by gnomAD v4, which is higher than the ClinGen SCID VCEP threshold (>0.00078) for BS1, and therefore meets this criterion (BS1) To our knowledge, this variant has not been reported in the literature in individuals affected with SCID/DCLRE1C-related conditions or in functional studies. In summary, this variant meets the criteria to be classified as Likely Benign for autosomal recessive severe combined immunodeficiency due to DCLRE1C deficiency based on the ACMG/AMP criteria applied, as specified by the ClinGen SCID VCEP. Criteria applied: BS1 (VCEP specifications version 1.0).

Labcorp Genetics (formerly Invitae), Labcorp
Classification: Likely benign for Athabaskan severe combined immunodeficiency. Last evaluated: 2026-01-20. Review status: criteria provided, single submitter. Criteria: Invitae Variant Classification Sherloc (09022015). Collection method: clinical testing. Allele origin: germline. Not counted in ClinVar's aggregate classification.

Blueprint Genetics
Classification: Likely benign. Last evaluated: 2023-05-12. Review status: criteria provided, single submitter. Criteria: ACMG Guidelines, 2015. Collection method: clinical testing. Allele origin: germline. Not counted in ClinVar's aggregate classification.

Natera, Inc.
Classification: Likely benign for Omenn syndrome. Last evaluated: 2020-04-13. Review status: no assertion criteria provided. Collection method: clinical testing. Allele origin: germline. Not counted in ClinVar's aggregate classification.

NM_001033855.3(DCLRE1C):c.1334G>A (p.Arg445His)

Gene: DCLRE1C (DNA cross-link repair 1C; minus strand). Cytogenetic location: 10p13.
Variant type: single nucleotide variant.
Coding change: c.1334G>A on transcript NM_001033855.3 (MANE Select); coding-DNA position 1334, G replaced by A.
Protein change: p.Arg445His; replaces arginine 445 with histidine.
Molecular consequence: missense variant. On other transcripts: non-coding transcript variant (4).
Genome position (GRCh38, 1-based): chr10:14,909,153, C>T on the plus strand (G>A on the coding strand, the complement: DCLRE1C is on the minus strand). VCF-style: chr10-14909153-C-T. GRCh37 (hg19) VCF-style: chr10-14951152-C-T.
Other names: NM_001033855.3(DCLRE1C):c.1334G>A; p.Arg445His; c.974G>A, p.Arg325His (NM_001033857.3, NM_001033858.3, NM_001289077.2 and 2 more transcripts); c.989G>A, p.Arg330His (NM_001289076.2, NM_001289078.2, NM_001350966.2 and 1 more transcripts); c.1334G>A, p.Arg445His (NM_001350965.2); short protein forms R330H, R445H, R325H.
Identifiers: ClinVar variation 706681 (VCV000706681.12), dbSNP rs376186052, ClinGen allele CA5416498.